The following is an entry in ClinVar:

NM_001190787.3(MCIDAS):c.229A>G (p.Ile77Val)

Gene: MCIDAS (multiciliate differentiation and DNA synthesis associated cell cycle protein; minus strand). Cytogenetic location: 5q11.2.
Variant type: single nucleotide variant.
Coding change: c.229A>G on transcript NM_001190787.3 (MANE Select); coding-DNA position 229, A replaced by G.
Protein change: p.Ile77Val; replaces isoleucine 77 with valine.
Molecular consequence: missense variant.
Genome position (GRCh38, 1-based): chr5:55,226,656, T>C on the plus strand (A>G on the coding strand, the complement: MCIDAS is on the minus strand). VCF-style: chr5-55226656-T-C. GRCh37 (hg19) VCF-style: chr5-54522484-T-C.
Other names: short protein forms I77V.
Identifiers: ClinVar variation 2636931 (VCV002636931.2), dbSNP rs747068702, ClinGen allele CA3266589.
Genomic context (GRCh38, chr5:55,226,656, plus strand): 5'-CACCAGGCGGCGCGTCGGACCCGAGTAGCGAAGAGCAGTCAGCGAGGTCCTGCAGGTCTA[T>C]GGTGGTGAGGGCTGCGCGGGGAGACCGGGAGACACGCGCCGGGCGGGCCCTGAGCCTCTC-3'
Protein context (NP_001177716.1, residues 67-87): EPTALPALTT[Ile77Val]DLQDLADCSS

ClinVar aggregate classification (germline): Uncertain significance. Review status: criteria provided, multiple submitters, no conflicts (2 of 4 stars). 2 submissions from 2 submitters: Uncertain significance (2). Last evaluated 2025-07-14.

Conditions:
MCIDAS-related disorder. Also called: MCIDAS-related condition.
Inborn genetic diseases. Identifiers: MedGen C0950123, MeSH D030342.

Allele frequency attached by ClinVar (database versions not stated): gnomAD exomes 0.00001; gnomAD 0.00002; ExAC 0.00012; 1000 Genomes Project 30x 0.00016.

Submissions (2):

Ambry Genetics
Classification: Uncertain significance for Inborn genetic diseases. Last evaluated: 2025-07-14. Review status: criteria provided, single submitter. Criteria: Ambry Variant Classification Scheme 2023. Collection method: clinical testing. Allele origin: germline.

PreventionGenetics, part of Exact Sciences
Classification: Uncertain significance for MCIDAS-related condition. Last evaluated: 2022-09-19. Review status: criteria provided, single submitter. Criteria: ACMG Guidelines, 2015. Collection method: clinical testing. Allele origin: germline.
Comment: The MCIDAS c.229A>G variant is predicted to result in the amino acid substitution p.Ile77Val. To our knowledge, this variant has not been reported in the literature. This variant is reported in 0.0047% of alleles in individuals of South Asian descent in gnomAD. At this time, the clinical significance of this variant is uncertain due to the absence of conclusive functional and genetic evidence.